The following is an entry in ClinVar:

ClinVar aggregate classification (germline): Likely benign. Review status: criteria provided, multiple submitters, no conflicts (2 of 4 stars). 2 submissions from 2 submitters: Likely benign (2). Last evaluated 2025-06-12.

Conditions:
Noonan syndrome 9 (NS9). Identifiers: Orphanet 648, MedGen C4225282, MONDO:0014691, OMIM 616559.

Allele frequency attached by ClinVar (database versions not stated): TOPMed below 0.00001; ExAC 0.00001; gnomAD 0.00001; gnomAD exomes below 0.00001.
gnomAD v4.1: 7 of 1,594,148 alleles (0.00044%); highest among the groups gnomAD compares: Admixed American, 0.0017%; no homozygotes.

Submissions (2):

Labcorp Genetics (formerly Invitae), Labcorp
Classification: Likely benign for Noonan syndrome 9. Last evaluated: 2025-06-12. Review status: criteria provided, single submitter. Criteria: Invitae Variant Classification Sherloc (09022015). Collection method: clinical testing. Allele origin: germline.

GeneDx
Classification: Likely benign. Last evaluated: 2017-03-07. Review status: criteria provided, single submitter. Criteria: GeneDx Variant Classification (06012015). Collection method: clinical testing. Allele origin: germline. Affected: yes.
Comment: This variant is considered likely benign or benign based on one or more of the following criteria: it is a conservative change, it occurs at a poorly conserved position in the protein, it is predicted to be benign by multiple in silico algorithms, and/or has population frequency not consistent with disease.

NM_006939.4(SOS2):c.384A>G (p.Leu128=)

Gene: SOS2 (SOS Ras/Rho guanine nucleotide exchange factor 2; minus strand). Cytogenetic location: 14q21.3.
Variant type: single nucleotide variant.
Coding change: c.384A>G on transcript NM_006939.4 (MANE Select); coding-DNA position 384, A replaced by G.
Protein change: p.Leu128=; no amino-acid change (leucine 128 retained).
Molecular consequence: synonymous variant.
Genome position (GRCh38, 1-based): chr14:50,199,817, T>C on the plus strand (A>G on the coding strand, the complement: SOS2 is on the minus strand). VCF-style: chr14-50199817-T-C. GRCh37 (hg19) VCF-style: chr14-50666535-T-C.
Identifiers: ClinVar variation 507826 (VCV000507826.5), dbSNP rs772264111, ClinGen allele CA7177530.
Genomic context (GRCh38, chr14:50,199,817, plus strand): 5'-ATAATTACCAGCCAATTTTAAAATATCAGCTGAGATATACTCTAGTACAGCCACAATATA[T>C]AGGGATACATGGTAGTCCACTTTGTACCCTAATACTTCCTGTGAAAAGAATAAATAATTT-3'
Protein context (NP_008870.2, residues 118-138): LGYKVDYHVS[Leu128=]YIVAVLEYIS